The following is an entry in ClinVar:

NM_000159.4(GCDH):c.148T>G (p.Trp50Gly)

Genes: GCDH (glutaryl-CoA dehydrogenase; plus strand), LOC117125594 (CRISPRi-FlowFISH-validated KLF1 regulatory element; plus strand). Cytogenetic location: 19p13.13.
Variant type: single nucleotide variant.
Coding change: c.148T>G on transcript NM_000159.4 (MANE Select); coding-DNA position 148, T replaced by G.
Protein change: p.Trp50Gly; replaces tryptophan 50 with glycine.
Molecular consequence: missense variant. On other transcripts: non-coding transcript variant (2).
Genome position (GRCh38, 1-based): chr19:12,891,851, T>G. VCF-style: chr19-12891851-T-G. GRCh37 (hg19) VCF-style: chr19-13002665-T-G.
Other names: c.148T>G (NM_000159.3); c.148T>G, p.Trp50Gly (NM_013976.5); short protein forms W50G.
Identifiers: ClinVar variation 1199104 (VCV001199104.8), dbSNP rs758646992, ClinGen allele CA9234265.

ClinVar aggregate classification (germline): Pathogenic/Likely pathogenic. Review status: criteria provided, multiple submitters, no conflicts (2 of 4 stars). 4 submissions from 4 submitters: Pathogenic (1); Likely pathogenic (3). Last evaluated 2025-11-14.

Conditions:
Glutaric aciduria, type 1. Also called: Glutaricacidemia Type 1; Glutaryl-CoA dehydrogenase deficiency; Glutaricaciduria, type I; Glutaric Acidemia Type 1; Glutaric acidemia type I; GA I. Identifiers: Orphanet 25, MedGen C0268595, MONDO:0009281, OMIM 231670.

Allele frequency attached by ClinVar (database versions not stated): gnomAD exomes below 0.00001 and 0.00001; ExAC 0.00001; gnomAD 0.00001.

Submissions (4):

Women's Health and Genetics/Laboratory Corporation of America, LabCorp
Classification: Likely pathogenic for Glutaric aciduria, type 1. Last evaluated: 2025-11-14. Review status: criteria provided, single submitter. Criteria: LabCorp Variant Classification Summary - May 2015. Collection method: clinical testing. Allele origin: germline.
Comment: Variant summary: GCDH c.148T>G (p.Trp50Gly) results in a non-conservative amino acid change in the encoded protein sequence. Algorithms developed to predict the effect of missense changes on protein structure and function all suggest that this variant is likely to be disruptive. The variant allele was found at a frequency of 8e-06 in 250314 control chromosomes. c.148T>G has been observed in individual(s) affected with Glutaric Acidemia Type 1 (Boy_2018). These data indicate that the variant may be associated with disease. Two different variants affecting the same codon has been classified as likely pathogenic/pathogenic (c.148T>C, p.Trp50Arg; c.150G>C, p.Trp50Cys), supporting the critical relevance of codon 50 to GCDH protein function. To our knowledge, no experimental evidence demonstrating an impact on protein function has been reported. The following publication have been ascertained in the context of this evaluation (PMID: 29665094). ClinVar contains an entry for this variant (Variation ID: 1199104). Based on the evidence outlined above, the variant was classified as likely pathogenic.

Natera, Inc.
Classification: Likely pathogenic for Glutaric acidemia type 1. Last evaluated: 2025-06-05. Review status: criteria provided, single submitter. Criteria: Natera Variant Classification Schema (03/2026). Collection method: clinical testing. Allele origin: germline.
Comment: The c.148T>G variant in GCDH is a missense variant predicted to cause substitution of tryptophan to glycine at amino acid 50. This variant is rare in the general population with a frequency below the threshold expected for the associated phenotype(s). This variant has been observed in one or more individuals affected with the associated recessive disease, as either homozygous or compound heterozygous with a second variant (PMID: 29665094). A different variant at the same position has been determined to be Pathogenic or Likely Pathogenic. Computational prediction algorithms indicate this variant is likely to affect gene or protein function. Given the available evidence, this variant is classified as Likely Pathogenic.

Labcorp Genetics (formerly Invitae), Labcorp
Classification: Pathogenic for Glutaric aciduria, type 1. Last evaluated: 2022-12-03. Review status: criteria provided, single submitter. Criteria: Invitae Variant Classification Sherloc (09022015). Collection method: clinical testing. Allele origin: germline.
Comment: For these reasons, this variant has been classified as Pathogenic. This variant disrupts the p.Trp50 amino acid residue in GCDH. Other variant(s) that disrupt this residue have been determined to be pathogenic (PMID: 28062662; Invitae). This suggests that this residue is clinically significant, and that variants that disrupt this residue are likely to be disease-causing. Advanced modeling of protein sequence and biophysical properties (such as structural, functional, and spatial information, amino acid conservation, physicochemical variation, residue mobility, and thermodynamic stability) performed at Invitae indicates that this missense variant is expected to disrupt GCDH protein function. ClinVar contains an entry for this variant (Variation ID: 1199104). This missense change has been observed in individual(s) with glutaric acidemia (PMID: 29665094). This variant is present in population databases (rs758646992, gnomAD 0.009%). This sequence change replaces tryptophan, which is neutral and slightly polar, with glycine, which is neutral and non-polar, at codon 50 of the GCDH protein (p.Trp50Gly).

GeneDx
Classification: Likely pathogenic. Last evaluated: 2020-04-14. Review status: criteria provided, single submitter. Criteria: GeneDx Variant Classification Process June 2021. Collection method: clinical testing. Allele origin: germline. Affected: yes.
Comment: Not observed at a significant frequency in large population cohorts (Lek et al., 2016); In silico analysis supports that this missense variant has a deleterious effect on protein structure/function; This variant is associated with the following publications: (PMID: 29665094)

Literature cited by the submitters: PubMed 29665094 (cited by 3 submitters); PubMed 28062662 (cited by Labcorp Genetics (formerly Invitae), Labcorp).